The following is an entry in ClinVar:

ClinVar aggregate classification (germline): Uncertain significance (1 of 4 stars; one submission).

Submission:

Labcorp Genetics (formerly Invitae), Labcorp
Classification: Uncertain significance. Last evaluated: 2024-07-10. Review status: criteria provided, single submitter. Criteria: Invitae Variant Classification Sherloc (09022015). Collection method: clinical testing. Allele origin: germline.
Comment: This sequence change replaces asparagine, which is neutral and polar, with serine, which is neutral and polar, at codon 165 of the RPSA protein (p.Asn165Ser). This variant is not present in population databases (gnomAD no frequency). This variant has not been reported in the literature in individuals affected with RPSA-related conditions. Advanced modeling of protein sequence and biophysical properties (such as structural, functional, and spatial information, amino acid conservation, physicochemical variation, residue mobility, and thermodynamic stability) performed at Invitae indicates that this missense variant is not expected to disrupt RPSA protein function with a negative predictive value of 80%. In summary, the available evidence is currently insufficient to determine the role of this variant in disease. Therefore, it has been classified as a Variant of Uncertain Significance.

NM_002295.6(RPSA):c.494A>G (p.Asn165Ser)

Gene: RPSA (ribosomal protein SA; plus strand). Cytogenetic location: 3p22.1.
Variant type: single nucleotide variant.
Coding change: c.494A>G on transcript NM_002295.6 (MANE Select); coding-DNA position 494, A replaced by G.
Protein change: p.Asn165Ser; replaces asparagine 165 with serine.
Molecular consequence: missense variant.
Genome position (GRCh38, 1-based): chr3:39,410,995, A>G. VCF-style: chr3-39410995-A-G. GRCh37 (hg19) VCF-style: chr3-39452486-A-G.
Other names: c.509A>G, p.Asn170Ser (NM_001304288.2); short protein forms N165S, N170S.
Identifiers: ClinVar variation 3658642 (VCV003658642.2).